The following is an entry in ClinVar:

ClinVar aggregate classification (germline): Uncertain significance (1 of 4 stars; one submission).

Conditions:
Chuvash polycythemia. Also called: POLYCYTHEMIA, VHL-DEPENDENT. Identifiers: Orphanet 238557, MedGen C1837915, MONDO:0009892, OMIM 263400.
Von Hippel-Lindau syndrome (VHLS). Also called: VHL syndrome; von Hippel–Lindau syndrome; Von Hippel-Lindau. Identifiers: Orphanet 892, MedGen C0019562, MONDO:0008667, OMIM 193300. Disease mechanism: loss of function.

Allele frequency attached by ClinVar (database versions not stated): TOPMed 0.00001.

Submission:

Labcorp Genetics (formerly Invitae), Labcorp
Classification: Uncertain significance for Von Hippel-Lindau syndrome; Chuvash polycythemia. Last evaluated: 2025-02-02. Review status: criteria provided, single submitter. Criteria: Invitae Variant Classification Sherloc (09022015). Collection method: clinical testing. Allele origin: germline.
Comment: This sequence change falls in intron 1 of the VHL gene. It is not expected to change the encoded amino acid sequence of the VHL protein. However, this sequence change falls within a cryptic exon in the VHL gene, known as exon E1’, which is naturally expressed at low levels in several human tissues (PMID: 29891534). This variant is not present in population databases (gnomAD no frequency). This variant has not been reported in the literature in individuals affected with VHL-related conditions. ClinVar contains an entry for this variant (Variation ID: 859265). Experimental studies and prediction algorithms are not available or were not evaluated, and the functional significance of this variant is currently unknown. Algorithms developed to predict the effect of sequence changes on RNA splicing suggest that this variant is not likely to affect RNA splicing. In summary, the available evidence is currently insufficient to determine the role of this variant in disease. Therefore, it has been classified as a Variant of Uncertain Significance.

Literature cited by the submitters: PubMed 29891534.

NM_000551.4(VHL):c.340+825C>G

Genes: VHL (von Hippel-Lindau tumor suppressor; plus strand), LOC107303340 (3p25 von Hippel-Lindau tumor suppressor, E3 ubiquitin protein ligase Alu-mediated recombination region; plus strand). Cytogenetic location: 3p25.3.
Variant type: single nucleotide variant.
Coding change: c.340+825C>G on transcript NM_000551.4 (MANE Select); 825 bases into the intron after coding-DNA position 340, C replaced by G.
Molecular consequence: intron variant. On other transcripts: 3 prime UTR variant (1).
Genome position (GRCh38, 1-based): chr3:10,143,012, C>G. VCF-style: chr3-10143012-C-G. GRCh37 (hg19) VCF-style: chr3-10184696-C-G.
Other names: c.*8C>G (NM_001354723.2); c.340+825C>G (NM_198156.3).
Identifiers: ClinVar variation 859265 (VCV000859265.8), dbSNP rs1156980093, ClinGen allele CA896160349.
Genomic context (GRCh38, chr3:10,143,012, plus strand): 5'-TGGTTTCAGTTAAGGAGCACTTCCCGGAGAAGGAAGAGAGCAGGATGGAGTAGGAACTAG[C>G]CAACCCTAGGTAAGAGGTTCTAGACATGCGTGCGTTGAGACCTGGAGTCTTGGGAGAGGA-3'